The following is an entry in ClinVar:

ClinVar aggregate classification (germline): Uncertain significance. Review status: criteria provided, multiple submitters, no conflicts (2 of 4 stars). 3 submissions from 3 submitters: Uncertain significance (3). Last evaluated 2025-04-25.

Conditions:
Multiple endocrine neoplasia, type 2 (MEN2). Identifiers: Orphanet 653, MedGen C4048306, MONDO:0019003. Disease mechanism: gain of function.
Hereditary cancer-predisposing syndrome. Also called: Neoplastic Syndromes, Hereditary; Tumor predisposition; Hereditary neoplastic syndrome; Hereditary Cancer Syndrome. Identifiers: Orphanet 140162, MedGen C0027672, MeSH D009386, MONDO:0015356.

Submissions (3):

GeneDx
Classification: Uncertain significance. Last evaluated: 2025-04-25. Review status: criteria provided, single submitter. Criteria: GeneDx Variant Classification Process June 2021. Collection method: clinical testing. Allele origin: germline. Affected: yes.
Comment: Has not been previously published as pathogenic or benign to our knowledge; Not observed at significant frequency in large population cohorts (gnomAD); In silico analysis indicates that this missense variant does not alter protein structure/function; This variant is associated with the following publications: (PMID: 14633923)

Ambry Genetics
Classification: Uncertain significance for Hereditary cancer-predisposing syndrome. Last evaluated: 2021-08-13. Review status: criteria provided, single submitter. Criteria: Ambry Variant Classification Scheme 2023. Collection method: clinical testing. Allele origin: germline.
Comment: The p.R133P variant (also known as c.398G>C), located in coding exon 3 of the RET gene, results from a G to C substitution at nucleotide position 398. The arginine at codon 133 is replaced by proline, an amino acid with dissimilar properties. This amino acid position is well conserved in available vertebrate species. In addition, the in silico prediction for this alteration is inconclusive. Since supporting evidence is limited at this time, the clinical significance of this alteration remains unclear.

Labcorp Genetics (formerly Invitae), Labcorp
Classification: Uncertain significance for Multiple endocrine neoplasia, type 2. Last evaluated: 2020-03-01. Review status: criteria provided, single submitter. Criteria: Invitae Variant Classification Sherloc (09022015). Collection method: clinical testing. Allele origin: germline.
Comment: In summary, the available evidence is currently insufficient to determine the role of this variant in disease. Therefore, it has been classified as a Variant of Uncertain Significance. Algorithms developed to predict the effect of missense changes on protein structure and function are either unavailable or do not agree on the potential impact of this missense change (SIFT: "Tolerated"; PolyPhen-2: "Possibly Damaging"; Align-GVGD: "Class C0"). This variant has not been reported in the literature in individuals with RET-related conditions. This variant is not present in population databases (ExAC no frequency). This sequence change replaces arginine with proline at codon 133 of the RET protein (p.Arg133Pro). The arginine residue is weakly conserved and there is a moderate physicochemical difference between arginine and proline.

NM_020975.6(RET):c.398G>C (p.Arg133Pro)

Gene: RET (ret proto-oncogene; plus strand). Cytogenetic location: 10q11.21.
Variant type: single nucleotide variant.
Coding change: c.398G>C on transcript NM_020975.6 (MANE Select); coding-DNA position 398, G replaced by C.
Protein change: p.Arg133Pro; replaces arginine 133 with proline.
Molecular consequence: missense variant.
Genome position (GRCh38, 1-based): chr10:43,102,402, G>C. VCF-style: chr10-43102402-G-C. GRCh37 (hg19) VCF-style: chr10-43597850-G-C.
Other names: c.398G>C, p.Arg133Pro (NM_000323.2, NM_001406743.1, NM_001406744.1 and 16 more transcripts); short protein forms R133P.
Identifiers: ClinVar variation 824463 (VCV000824463.15), dbSNP rs138265837, ClinGen allele CA376770737.